The following is an entry in ClinVar:

NM_000186.4(CFH):c.3551C>A (p.Thr1184Lys)

Gene: CFH (complement factor H; plus strand). Cytogenetic location: 1q31.3.
Variant type: single nucleotide variant.
Coding change: c.3551C>A on transcript NM_000186.4 (MANE Select); coding-DNA position 3551, C replaced by A.
Protein change: p.Thr1184Lys; replaces threonine 1184 with lysine.
Molecular consequence: missense variant.
Genome position (GRCh38, 1-based): chr1:196,747,168, C>A. VCF-style: chr1-196747168-C-A. GRCh37 (hg19) VCF-style: chr1-196716298-C-A.
Other names: short protein forms T1184K.
Identifiers: ClinVar variation 4291603 (VCV004291603.1).

ClinVar aggregate classification (germline): Uncertain significance (1 of 4 stars; one submission).

Conditions:
Atypical hemolytic-uremic syndrome. Identifiers: Orphanet 2134, MedGen C2931788, MONDO:0016244.
Basal laminar drusen. Also called: DRUSEN OF BRUCH MEMBRANE; DRUSEN, CUTICULAR; DRUSEN, EARLY ADULT-ONSET, GROUPED. Identifiers: Orphanet 75376, MedGen C0730295, MONDO:0007472, OMIM 126700.
Factor H deficiency (CFHD). Also called: COMPLEMENT FACTOR H DEFICIENCY; CFH DEFICIENCY. Identifiers: Orphanet 200421, MedGen C0398777, MONDO:0012350, OMIM 609814.
Age related macular degeneration 4. Identifiers: MedGen C1853147, MONDO:0012540, OMIM 610698.

Submission:

Genomenon, Inc
Classification: Uncertain significance for Basal laminar drusen; Age related macular degeneration 4; Atypical hemolytic-uremic syndrome; Factor H deficiency. Last evaluated: 2025-10-02. Review status: criteria provided, single submitter. Criteria: Genomenon Sequence Variant Interpretation Standards - Updated. Collection method: curation. Allele origin: germline. Affected: no.
Comment: CFH p.Thr1184Lys (c.3551C>A) is a missense variant that changes the amino acid at residue 1184 from Threonine to Lysine. This variant has been reported in the published literature (PMID:21531728;26836579). It is absent or not present at a significant frequency in gnomAD. In conclusion, we classify CFH p.Thr1184Lys (c.3551C>A) as a variant of uncertain significance.

Literature cited by the submitters: PubMed 21531728; PubMed 26836579.